The following is an entry in ClinVar:

ClinVar aggregate classification (germline): Uncertain significance (1 of 4 stars; one submission).

Conditions:
Hereditary cancer-predisposing syndrome. Also called: Hereditary Cancer Syndrome; Hereditary neoplastic syndrome; Neoplastic Syndromes, Hereditary; Tumor predisposition. Identifiers: Orphanet 140162, MedGen C0027672, MeSH D009386, MONDO:0015356.

Submission:

Ambry Genetics
Classification: Uncertain significance for Hereditary cancer-predisposing syndrome. Last evaluated: 2020-11-30. Review status: criteria provided, single submitter. Criteria: Ambry Variant Classification Scheme 2023. Collection method: clinical testing. Allele origin: germline.
Comment: The c.585-4_585-2delTTA intronic variant, located in intron 3 of the PTCH1 gene, results from a deletion of 3 nucleotides within intron 3 of the PTCH1 gene. This nucleotide region is not well conserved in available vertebrate species. In silico splice site analysis predicts that this alteration will not have any significant effect on splicing. Since supporting evidence is limited at this time, the clinical significance of this alteration remains unclear.

NM_000264.5(PTCH1):c.585-4_585-2del

Gene: PTCH1 (patched 1; minus strand). Cytogenetic location: 9q22.32.
Variant type: Microsatellite.
Coding change: c.585-4_585-2del on transcript NM_000264.5 (MANE Select); 4 bases into the intron before coding-DNA position 585 through the canonical splice acceptor site of the intron before coding-DNA position 585, 3 bases deleted (TTA; older notation c.585-4_585-2delTTA).
Molecular consequence: splice acceptor variant.
Genome position (GRCh38, 1-based): chr9:95,482,205-95,482,207, TAA deleted on the plus strand (TTA on the coding strand, the reverse complement: PTCH1 is on the minus strand); deleting any 3 consecutive bases within chr9:95,482,205-95,482,210 gives the same sequence; the c. name uses the placement nearest the transcript's 3' end. VCF-style (leftmost placement, unchanged base first): chr9-95482204-CTAA-C. GRCh37 (hg19) VCF-style: chr9-98244486-CTAA-C.
Other names: c.132-4_132-2del (NM_001083605.3, NM_001083604.3, NM_001083606.3 and 1 more transcripts); c.387-4_387-2del (NM_001354919.2, NM_001083602.3); c.582-4_582-2del (NM_001083603.3); c.585-4_585-2del (NM_001354918.2).
Identifiers: ClinVar variation 1750088 (VCV001750088.2), dbSNP rs2538248120, ClinGen allele CA2580616249.